The following is an entry in ClinVar:

NM_207122.2(EXT2):c.1684C>G (p.Arg562Gly)

Gene: EXT2 (exostosin glycosyltransferase 2; plus strand). Cytogenetic location: 11p11.2.
Variant type: single nucleotide variant.
Coding change: c.1684C>G on transcript NM_207122.2 (MANE Select); coding-DNA position 1684, C replaced by G.
Protein change: p.Arg562Gly; replaces arginine 562 with glycine.
Molecular consequence: missense variant.
Genome position (GRCh38, 1-based): chr11:44,232,374, C>G. VCF-style: chr11-44232374-C-G. GRCh37 (hg19) VCF-style: chr11-44253924-C-G.
Other names: c.1783C>G, p.Arg595Gly (NM_000401.3); c.1714C>G, p.Arg572Gly (NM_001178083.3); c.1684C>G, p.Arg562Gly (NM_001389628.1, NM_001389630.1); short protein forms R562G, R572G, R595G.
Identifiers: ClinVar variation 2063227 (VCV002063227.8), dbSNP rs749343014, ClinGen allele CA221497049.
Genomic context (GRCh38, chr11:44,232,374, plus strand): 5'-TGAATTGGGACTTGATTGTTATTATGTGTCTGTCCTTAGGTCTGGCGGGAATTTCCTGAC[C>G]GGTTGGTGGGTTACCCGGGTCGTCTGCATCTCTGGGACCATGAGATGAATAAGTGGAAGT-3'
Protein context (NP_997005.1, residues 552-572): GYEVWREFPD[Arg562Gly]LVGYPGRLHL

ClinVar aggregate classification (germline): Uncertain significance. Review status: criteria provided, multiple submitters, no conflicts (2 of 4 stars). 3 submissions from 3 submitters: Uncertain significance (3). Last evaluated 2026-02-17.

Conditions:
Exostoses, multiple, type 2 (EXT2). Also called: Hereditary Multiple Osteochondromatosis, Type II; EXOSTOSES, MULTIPLE, TYPE II. Identifiers: Orphanet 321, MedGen C1851413, MONDO:0007586, OMIM 133701.
Inborn genetic diseases. Identifiers: MedGen C0950123, MeSH D030342.

gnomAD v4.1: 39 of 1,613,722 alleles (0.0024%); highest among the groups gnomAD compares: African/African-American, 0.0067%; no homozygotes.

Submissions (3):

Ambry Genetics
Classification: Uncertain significance for Inborn genetic diseases. Last evaluated: 2026-02-17. Review status: criteria provided, single submitter. Criteria: Ambry Variant Classification Scheme 2023. Collection method: clinical testing. Allele origin: germline.

Labcorp Genetics (formerly Invitae), Labcorp
Classification: Uncertain significance for Exostoses, multiple, type 2. Last evaluated: 2025-12-03. Review status: criteria provided, single submitter. Criteria: Invitae Variant Classification Sherloc (09022015). Collection method: clinical testing. Allele origin: germline.
Comment: This sequence change replaces arginine, which is basic and polar, with glycine, which is neutral and non-polar, at codon 562 of the EXT2 protein (p.Arg562Gly). This variant is present in population databases (no rsID available, gnomAD 0.01%). This variant has not been reported in the literature in individuals affected with EXT2-related conditions. ClinVar contains an entry for this variant (Variation ID: 2063227). Invitae Evidence Modeling of protein sequence and biophysical properties (such as structural, functional, and spatial information, amino acid conservation, physicochemical variation, residue mobility, and thermodynamic stability) has been performed for this missense variant. However, the output from this modeling did not meet the statistical confidence thresholds required to predict the impact of this variant on EXT2 protein function. In summary, the available evidence is currently insufficient to determine the role of this variant in disease. Therefore, it has been classified as a Variant of Uncertain Significance.

Baylor Genetics
Classification: Uncertain significance for Exostoses, multiple, type 2. Last evaluated: 2023-09-20. Review status: criteria provided, single submitter. Criteria: ACMG Guidelines, 2015. Collection method: clinical testing. Allele origin: unknown.